The following is an entry in ClinVar:

NM_133642.5(LARGE1):c.230G>A (p.Arg77His)

Gene: LARGE1 (LARGE xylosyl- and glucuronyltransferase 1; minus strand). Cytogenetic location: 22q12.3.
Variant type: single nucleotide variant.
Coding change: c.230G>A on transcript NM_133642.5 (MANE Select); coding-DNA position 230, G replaced by A.
Protein change: p.Arg77His; replaces arginine 77 with histidine.
Molecular consequence: missense variant.
Genome position (GRCh38, 1-based): chr22:33,650,545, C>T on the plus strand (G>A on the coding strand, the complement: LARGE1 is on the minus strand). VCF-style: chr22-33650545-C-T. GRCh37 (hg19) VCF-style: chr22-34046531-C-T.
Other names: c.230G>A, p.Arg77His (NM_001362949.2, NM_001362951.2, NM_001362953.2 and 7 more transcripts); short protein forms R77H.
Identifiers: ClinVar variation 902995 (VCV000902995.9), dbSNP rs1402888044, ClinGen allele CA411546361.

ClinVar aggregate classification (germline): Uncertain significance. Review status: criteria provided, multiple submitters, no conflicts (2 of 4 stars). 3 submissions from 2 submitters: Uncertain significance (3). Last evaluated 2024-11-25.

Conditions:
Muscular dystrophy-dystroglycanopathy type B6 (MDDGB6). Also called: MUSCULAR DYSTROPHY-DYSTROGLYCANOPATHY (CONGENITAL WITH IMPAIRED INTELLECTUAL DEVELOPMENT), TYPE B, 6; MUSCULAR DYSTROPHY, CONGENITAL, LARGE-RELATED; MUSCULAR DYSTROPHY, CONGENITAL, TYPE 1D. Identifiers: MedGen C1837229, MONDO:0012138, OMIM 608840.
Muscular dystrophy-dystroglycanopathy (congenital with brain and eye anomalies), type A6. Also called: MUSCULAR DYSTROPHY-DYSTROGLYCANOPATHY (CONGENITAL WITH BRAIN AND EYE ANOMALIES), TYPE A, 6; WALKER-WARBURG SYNDROME OR MUSCLE-EYE-BRAIN DISEASE, LARGE-RELATED. Identifiers: Orphanet 588, Orphanet 899, MedGen C3150414, MONDO:0013158, OMIM 613154.

Allele frequency attached by ClinVar (database versions not stated): gnomAD exomes below 0.00001; gnomAD 0.00001.
gnomAD v4.1: 3 of 1,609,850 alleles (0.00019%); highest among the groups gnomAD compares: Admixed American, 0.0017%; no homozygotes.

Submissions (3):

Labcorp Genetics (formerly Invitae), Labcorp
Classification: Uncertain significance for Muscular dystrophy-dystroglycanopathy type B6. Last evaluated: 2024-11-25. Review status: criteria provided, single submitter. Criteria: Invitae Variant Classification Sherloc (09022015). Collection method: clinical testing. Allele origin: germline.
Comment: This sequence change replaces arginine, which is basic and polar, with histidine, which is basic and polar, at codon 77 of the LARGE1 protein (p.Arg77His). This variant is not present in population databases (gnomAD no frequency). This variant has not been reported in the literature in individuals affected with LARGE1-related conditions. ClinVar contains an entry for this variant (Variation ID: 902995). An algorithm developed to predict the effect of missense changes on protein structure and function (PolyPhen-2) suggests that this variant is likely to be disruptive. In summary, the available evidence is currently insufficient to determine the role of this variant in disease. Therefore, it has been classified as a Variant of Uncertain Significance.

Illumina Laboratory Services, Illumina
Classification: Uncertain significance for Muscular dystrophy-dystroglycanopathy type B6. Last evaluated: 2018-01-12. Review status: criteria provided, single submitter. Criteria: ICSL Variant Classification Criteria 13 December 2019. Collection method: clinical testing. Allele origin: germline.

Illumina Laboratory Services, Illumina
Classification: Uncertain significance for Muscular dystrophy-dystroglycanopathy (congenital with brain and eye anomalies), type A6. Last evaluated: 2018-01-12. Review status: criteria provided, single submitter. Criteria: ICSL Variant Classification Criteria 13 December 2019. Collection method: clinical testing. Allele origin: germline.